The following is an entry in ClinVar:

ClinVar aggregate classification (germline): Likely benign (1 of 4 stars; one submission).

Allele frequency attached by ClinVar (database versions not stated): 1000 Genomes Project 0.00319; 1000 Genomes Project 30x 0.00344; TOPMed 0.00599; gnomAD 0.00669 and 0.00695.
gnomAD v4.1: 1,020 of 151,936 alleles (0.67%); highest among the groups gnomAD compares: Non-Finnish European, 0.97%; 5 homozygotes.

Submission:

GeneDx
Classification: Likely benign. Last evaluated: 2018-06-14. Review status: criteria provided, single submitter. Criteria: GeneDx Variant Classification (06012015). Collection method: clinical testing. Allele origin: germline. Affected: yes.
Comment: This variant is considered likely benign or benign based on one or more of the following criteria: it is a conservative change, it occurs at a poorly conserved position in the protein, it is predicted to be benign by multiple in silico algorithms, and/or has population frequency not consistent with disease.

NM_006329.4(FBLN5):c.740-336C>T

Gene: FBLN5 (fibulin 5; minus strand). Cytogenetic location: 14q32.12.
Variant type: single nucleotide variant.
Coding change: c.740-336C>T on transcript NM_006329.4 (MANE Select); 336 bases into the intron before coding-DNA position 740, C replaced by T.
Molecular consequence: intron variant.
Genome position (GRCh38, 1-based): chr14:91,883,412, G>A on the plus strand (C>T on the coding strand, the complement: FBLN5 is on the minus strand). VCF-style: chr14-91883412-G-A. GRCh37 (hg19) VCF-style: chr14-92349756-G-A.
Other names: c.740-336C>T (NM_001384160.1); c.863-336C>T (NM_001384158.1); c.572-336C>T (NM_001384162.1, NM_001384161.1); c.791-336C>T (NM_001384159.1).
Identifiers: ClinVar variation 672904 (VCV000672904.1), dbSNP rs185053478, ClinGen allele CA265596139.